The following is an entry in ClinVar:

NM_001164277.2(SLC37A4):c.818G>A (p.Gly273Asp)

Gene: SLC37A4 (solute carrier family 37 member 4; minus strand). Cytogenetic location: 11q23.3.
Variant type: single nucleotide variant.
Coding change: c.818G>A on transcript NM_001164277.2 (MANE Select); coding-DNA position 818, G replaced by A.
Protein change: p.Gly273Asp; replaces glycine 273 with aspartic acid.
Molecular consequence: missense variant.
Genome position (GRCh38, 1-based): chr11:119,026,655, C>T on the plus strand (G>A on the coding strand, the complement: SLC37A4 is on the minus strand). VCF-style: chr11-119026655-C-T. GRCh37 (hg19) VCF-style: chr11-118897365-C-T.
Other names: c.818G>A, p.Gly273Asp (NM_001164278.2, NM_001164280.2, NM_001467.6); c.599G>A, p.Gly200Asp (NM_001164279.2); short protein forms G200D, G273D.
Identifiers: ClinVar variation 4848030 (VCV004848030.1).

ClinVar aggregate classification (germline): Uncertain significance (1 of 4 stars; one submission).

Submission:

Women's Health and Genetics/Laboratory Corporation of America, LabCorp
Classification: Uncertain significance. Last evaluated: 2026-02-04. Review status: criteria provided, single submitter. Criteria: LabCorp Variant Classification Summary - May 2015. Collection method: clinical testing. Allele origin: germline.
Comment: Variant summary: SLC37A4 c.818G>A (p.Gly273Asp) results in a non-conservative amino acid change in the encoded protein sequence. Algorithms developed to predict the effect of missense changes on protein structure and function are either unavailable or do not agree on the potential impact of this missense change. The variant was absent in 236892 control chromosomes (gnomAD). The available data on variant occurrences in the general population are insufficient to allow any conclusion about variant significance. c.818G>A has been observed in one individual affected with Glycogen Storage Disease Type Ib (Choi_2017). These data do not allow any conclusion about variant significance. To our knowledge, no experimental evidence demonstrating an impact on protein function has been reported. The following publication have been ascertained in the context of this evaluation (PMID: 28224773). No submitters have cited clinical-significance assessments for this variant to ClinVar. Based on the evidence outlined above, the variant was classified as uncertain significance.

Literature cited by the submitters: PubMed 28224773.